The following is an entry in ClinVar:

ClinVar aggregate classification (germline): Uncertain significance (1 of 4 stars; one submission).

Allele frequency attached by ClinVar (database versions not stated): TOPMed below 0.00001; gnomAD 0.00001.
gnomAD v4.1: 1 of 1,613,430 alleles (0.000062%); highest among the groups gnomAD compares: African/African-American, 0.0013%; no homozygotes.

Submission:

Labcorp Genetics (formerly Invitae), Labcorp
Classification: Uncertain significance. Last evaluated: 2022-04-01. Review status: criteria provided, single submitter. Criteria: Invitae Variant Classification Sherloc (09022015). Collection method: clinical testing. Allele origin: germline.
Comment: In summary, the available evidence is currently insufficient to determine the role of this variant in disease. Therefore, it has been classified as a Variant of Uncertain Significance. Algorithms developed to predict the effect of missense changes on protein structure and function (SIFT, PolyPhen-2, Align-GVGD) all suggest that this variant is likely to be disruptive. This variant has not been reported in the literature in individuals affected with CDH2-related conditions. This variant is not present in population databases (gnomAD no frequency). This sequence change replaces proline, which is neutral and non-polar, with serine, which is neutral and polar, at codon 850 of the CDH2 protein (p.Pro850Ser).

NM_001792.5(CDH2):c.2548C>T (p.Pro850Ser)

Genes: CDH2 (cadherin 2; minus strand), CDH2-AS1 (CDH2 antisense RNA 1; plus strand). Cytogenetic location: 18q12.1.
Variant type: single nucleotide variant.
Coding change: c.2548C>T on transcript NM_001792.5 (MANE Select); coding-DNA position 2548, C replaced by T.
Protein change: p.Pro850Ser; replaces proline 850 with serine.
Molecular consequence: missense variant.
Genome position (GRCh38, 1-based): chr18:27,952,326, G>A on the plus strand (C>T on the coding strand, the complement: CDH2 is on the minus strand). VCF-style: chr18-27952326-G-A. GRCh37 (hg19) VCF-style: chr18-25532290-G-A.
Other names: c.2455C>T, p.Pro819Ser (NM_001308176.2); short protein forms P819S, P850S.
Identifiers: ClinVar variation 2120104 (VCV002120104.4), dbSNP rs878963425, ClinGen allele CA297653117.